The following is an entry in ClinVar:

NM_000525.4(KCNJ11):c.509A>G (p.Lys170Arg)

Gene: KCNJ11 (potassium inwardly rectifying channel subfamily J member 11; minus strand). Cytogenetic location: 11p15.1.
Variant type: single nucleotide variant.
Coding change: c.509A>G on transcript NM_000525.4 (MANE Select); coding-DNA position 509, A replaced by G.
Protein change: p.Lys170Arg; replaces lysine 170 with arginine.
Molecular consequence: missense variant.
Genome position (GRCh38, 1-based): chr11:17,387,583, T>C on the plus strand (A>G on the coding strand, the complement: KCNJ11 is on the minus strand). VCF-style: chr11-17387583-T-C. GRCh37 (hg19) VCF-style: chr11-17409130-T-C.
Other names: c.248A>G, p.Lys83Arg (NM_001166290.2, NM_001377296.1, NM_001377297.1); short protein forms K170R, K83R.
Identifiers: ClinVar variation 8671 (VCV000008671.6), dbSNP rs80356621, ClinGen allele CA340805.

ClinVar aggregate classification (germline): Likely risk allele. Review status: criteria provided, single submitter (1 of 4 stars). 3 submissions from 3 submitters: Likely risk allele (1). 2 of the submissions do not count toward it.

Conditions:
Diabetes mellitus, permanent neonatal 2. Also called: KCNJ11-Related Permanent Neonatal Diabetes Mellitus. Identifiers: MedGen C5394296, MONDO:0030087, OMIM 618856.
Maturity-onset diabetes of the young (MODY). Also called: Maturity onset diabetes mellitus in young. Identifiers: Orphanet 552, MedGen C0342276, MONDO:0018911, HP:0004904.
Permanent neonatal diabetes mellitus (PNDM). Identifiers: Orphanet 99885, MedGen C1833104, MONDO:0100164, MONDO:0011643. Disease mechanism: gain of function.

Submissions (3):

Clinical Genomics, Uppaluri K&H Personalized Medicine Clinic
Classification: Likely risk allele for Maturity-onset diabetes of the young. Review status: criteria provided, single submitter. Criteria: K & H Uppaluri Personalized Medicine Clinic Variant Classification & Assertion Criteria_Updated V.1. Collection method: research. Allele origin: somatic. Inheritance: Autosomal dominant inheritance. Affected: yes.
Comment: rs80356621 of KCNJ11 gene can cause decreased production and secretion of insulin. This can lead to permanent neonatal diabetes which is responsive to oral sulfonylureas.

OMIM
Classification: Pathogenic for DIABETES MELLITUS, PERMANENT NEONATAL, 2. Last evaluated: 2005-01-01. Review status: no assertion criteria provided. Collection method: literature only. Allele origin: germline. Not counted in ClinVar's aggregate classification.

GeneReviews
No classification provided. Condition: Permanent neonatal diabetes mellitus. Review status: no classification provided. Collection method: literature only. Allele origin: unknown. Not counted in ClinVar's aggregate classification.

Literature cited by the submitters: PubMed 17728498 (cited by Clinical Genomics, Uppaluri K&H Personalized Medicine Clinic); PubMed 15580558 (cited by OMIM and GeneReviews); PubMed 20301620 (cited by GeneReviews); NCBI Bookshelf NBK1447 (cited by GeneReviews).